The following is an entry in ClinVar:

ClinVar aggregate classification (germline): Uncertain significance. Review status: criteria provided, multiple submitters, no conflicts (2 of 4 stars). 4 submissions from 4 submitters: Uncertain significance (4). Last evaluated 2026-08-03.

Conditions:
DNM2-related disorder. Also called: DNM2-related condition.
Inborn genetic diseases. Identifiers: MedGen C0950123, MeSH D030342.
Charcot-Marie-Tooth disease dominant intermediate B (CMTDIB). Also called: CHARCOT-MARIE-TOOTH NEUROPATHY, DOMINANT INTERMEDIATE B; Charcot-Marie-Tooth disease dominant intermediate 1; CMT DI1; Charcot-Marie-Tooth disease dominant intermediate I. Identifiers: Orphanet 100044, Orphanet 228179, MedGen C1847902, MONDO:0011674, OMIM 606482.

Allele frequency attached by ClinVar (database versions not stated): ExAC 0.00001; TOPMed 0.00001.
gnomAD v4.1: 2 of 1,613,646 alleles (0.00012%); highest among the groups gnomAD compares: East Asian, 0.0022%; no homozygotes.

Submissions (4):

PreventionGenetics, part of Exact Sciences
Classification: Uncertain significance for DNM2-related condition. Last evaluated: 2026-08-03. Review status: criteria provided, single submitter. Criteria: ACMG Guidelines, 2015. Collection method: clinical testing. Allele origin: germline.
Comment: The DNM2 c.1809C>G variant is predicted to result in the amino acid substitution p.Ile603Met. To our knowledge, this variant has not been reported in the literature. This variant is reported in 0.0054% of alleles in individuals of East Asian descent in gnomAD. At this time, the clinical significance of this variant is uncertain due to the absence of conclusive functional and genetic evidence.

Labcorp Genetics (formerly Invitae), Labcorp
Classification: Uncertain significance for Charcot-Marie-Tooth disease dominant intermediate B. Last evaluated: 2022-09-05. Review status: criteria provided, single submitter. Criteria: Invitae Variant Classification Sherloc (09022015). Collection method: clinical testing. Allele origin: germline.
Comment: This sequence change replaces isoleucine, which is neutral and non-polar, with methionine, which is neutral and non-polar, at codon 603 of the DNM2 protein (p.Ile603Met). This variant is present in population databases (rs780409124, gnomAD 0.006%). This variant has not been reported in the literature in individuals affected with DNM2-related conditions. ClinVar contains an entry for this variant (Variation ID: 245848). Algorithms developed to predict the effect of missense changes on protein structure and function are either unavailable or do not agree on the potential impact of this missense change (SIFT: "Tolerated"; PolyPhen-2: "Possibly Damaging"; Align-GVGD: "Class C0"). In summary, the available evidence is currently insufficient to determine the role of this variant in disease. Therefore, it has been classified as a Variant of Uncertain Significance.

Ambry Genetics
Classification: Uncertain significance for Inborn genetic diseases. Last evaluated: 2021-06-17. Review status: criteria provided, single submitter. Criteria: Ambry Variant Classification Scheme 2023. Collection method: clinical testing. Allele origin: germline.
Comment: The p.I603M variant (also known as c.1809C>G), located in coding exon 17 of the DNM2 gene, results from a C to G substitution at nucleotide position 1809. The isoleucine at codon 603 is replaced by methionine, an amino acid with highly similar properties. This amino acid position is conserved. In addition, the in silico prediction for this alteration is inconclusive. Since supporting evidence is limited at this time, the clinical significance of this alteration remains unclear.

GeneDx
Classification: Uncertain significance. Last evaluated: 2015-08-04. Review status: criteria provided, single submitter. Criteria: GeneDx Variant Classification (06012015). Collection method: clinical testing. Allele origin: germline. Affected: yes.
Comment: The I603M variant has not been published as pathogenic, nor has it been reported as a benign polymorphism to our knowledge. It was not observed in approximately 6,500 individuals of European and African American ancestry in the NHLBI Exome Sequencing Project, indicating it is not a common benign variant in these populations. The I603M variant is a conservative amino acid substitution, which is not likely to impact secondary protein structure as these residues share similar properties. This substitution occurs at a position where amino acids with similar properties to Isoleucine are tolerated across species. Missense variants in nearby residues have not been reported in the Human Gene Mutation Database in association with DNM2-related disorders (Stenson et al., 2014). However, in silico analysis predicts this variant is probably damaging to the protein structure/function. Therefore, based on the currently available information, it is unclear whether this variant is a pathogenic or a rare benign variant.

NM_001005361.3(DNM2):c.1809C>G (p.Ile603Met)

Gene: DNM2 (dynamin 2; plus strand). Cytogenetic location: 19p13.2.
Variant type: single nucleotide variant.
Coding change: c.1809C>G on transcript NM_001005361.3 (MANE Select); coding-DNA position 1809, C replaced by G.
Protein change: p.Ile603Met; replaces isoleucine 603 with methionine.
Molecular consequence: missense variant.
Genome position (GRCh38, 1-based): chr19:10,823,815, C>G. VCF-style: chr19-10823815-C-G. GRCh37 (hg19) VCF-style: chr19-10934491-C-G.
Other names: c.1809C>G, p.Ile603Met (NM_001005360.3, NM_001190716.2); c.1797C>G, p.Ile599Met (NM_001005362.3, NM_004945.4); short protein forms I603M, I599M.
Identifiers: ClinVar variation 245848 (VCV000245848.12), dbSNP rs780409124, ClinGen allele CA9201414.
Genomic context (GRCh38, chr19:10,823,815, plus strand): 5'-AGCTTGTGCCCCTCCTTCCCCACCCCCCCGCAGAAACGTCTACAAGGACCTGCGGCAGAT[C>G]GAGCTGGCCTGTGACTCCCAGGAAGACGTGGACAGCTGGAAGGCCTCGTTCCTCCGAGCT-3'
Protein context (NP_001005361.1, residues 593-613): QRNVYKDLRQ[Ile603Met]ELACDSQEDV